The following is an entry in ClinVar:

NM_000077.5(CDKN2A):c.42C>A (p.Asp14Glu)

Gene: CDKN2A (cyclin dependent kinase inhibitor 2A; minus strand). Cytogenetic location: 9p21.3.
Variant type: single nucleotide variant.
Coding change: c.42C>A on transcript NM_000077.5; coding-DNA position 42, C replaced by A.
Protein change: p.Asp14Glu; replaces aspartic acid 14 with glutamic acid.
Molecular consequence: missense variant (on NM_000077.6). On other transcripts: intron variant (2).
Genome position (GRCh38, 1-based): chr9:21,974,786, G>T on the plus strand (C>A on the coding strand, the complement: CDKN2A is on the minus strand). VCF-style: chr9-21974786-G-T. GRCh37 (hg19) VCF-style: chr9-21974785-G-T.
Other names: c.42C>A, p.Asp14Glu (NM_000077.6, NM_001195132.2, NM_058197.5); c.-3-3578C>A (NM_001363763.2); c.194-3578C>A (NM_058195.4); short protein forms D14E.
Identifiers: ClinVar variation 863866 (VCV000863866.12), dbSNP rs1819961127, ClinGen allele CA373086662.

ClinVar aggregate classification (germline): Conflicting classifications of pathogenicity. Review status: criteria provided, conflicting classifications (1 of 4 stars). 3 submissions from 3 submitters: Uncertain significance (2); Likely benign (1). Last evaluated 2025-03-18.

Conditions:
Familial melanoma. Also called: Hereditary melanoma; Hereditary cutaneous melanoma. Identifiers: Orphanet 618, MedGen C1512419, MONDO:0018961.
Hereditary cancer-predisposing syndrome. Also called: Neoplastic Syndromes, Hereditary; Tumor predisposition; Hereditary Cancer Syndrome; Hereditary neoplastic syndrome. Identifiers: Orphanet 140162, MedGen C0027672, MeSH D009386, MONDO:0015356.

Allele frequency attached by ClinVar (database versions not stated): gnomAD exomes below 0.00001; TOPMed below 0.00001.
gnomAD v4.1: 2 of 1,607,608 alleles (0.00012%); highest among the groups gnomAD compares: Non-Finnish European, 0.00017%; no homozygotes.

Submissions (3):

Ambry Genetics
Classification: Likely benign for Hereditary cancer-predisposing syndrome. Last evaluated: 2025-03-18. Review status: criteria provided, single submitter. Criteria: Ambry Variant Classification Scheme 2023. Collection method: clinical testing. Allele origin: germline.

Labcorp Genetics (formerly Invitae), Labcorp
Classification: Uncertain significance for Familial melanoma. Last evaluated: 2023-11-07. Review status: criteria provided, single submitter. Criteria: Invitae Variant Classification Sherloc (09022015). Collection method: clinical testing. Allele origin: germline.
Comment: This sequence change replaces aspartic acid, which is acidic and polar, with glutamic acid, which is acidic and polar, at codon 14 of the CDKN2A (p16INK4a) protein (p.Asp14Glu). This variant is not present in population databases (gnomAD no frequency). This variant has not been reported in the literature in individuals affected with CDKN2A (p16INK4a)-related conditions. ClinVar contains an entry for this variant (Variation ID: 863866). Algorithms developed to predict the effect of missense changes on protein structure and function output the following: SIFT: "Not Available"; PolyPhen-2: "Benign"; Align-GVGD: "Not Available". The glutamic acid amino acid residue is found in multiple mammalian species, which suggests that this missense change does not adversely affect protein function. Experimental studies have shown that this missense change does not substantially affect CDKN2A (p16INK4a) function (PMID: 21462282). In summary, the available evidence is currently insufficient to determine the role of this variant in disease. Therefore, it has been classified as a Variant of Uncertain Significance.

Color Diagnostics, LLC DBA Color Health
Classification: Uncertain significance for Hereditary cancer-predisposing syndrome. Last evaluated: 2019-08-22. Review status: criteria provided, single submitter. Criteria: ACMG Guidelines, 2015. Collection method: clinical testing. Allele origin: germline.
Comment: This missense variant replaces aspartic acid with glutamic acid at codon 14 of the CDKN2A (p16) protein. Computational prediction tools and conservation analyses suggest that this variant may not impact protein structure and function. Splice site prediction tools suggest that this variant may not impact RNA splicing. A functional study has shown that this variant does not affect CDK binding in vitro (PMID: 21462282). The variant has not been observed in an individual affected with hereditary cancer in the literature. This variant has not been identified in the general population by the Genome Aggregation Database (gnomAD). The available evidence is insufficient to determine the role of this variant in disease conclusively. Therefore, this variant is classified as a Variant of Uncertain Significance.

Literature cited by the submitters: PubMed 21462282 (cited by Labcorp Genetics (formerly Invitae), Labcorp).